The following is an entry in ClinVar:

ClinVar aggregate classification (germline): Uncertain significance. Review status: criteria provided, multiple submitters, no conflicts (2 of 4 stars). 3 submissions from 3 submitters: Uncertain significance (3). Last evaluated 2026-07-20.

Conditions:
Cone-rod dystrophy 6 (CORD6). Also called: RETINAL CONE DYSTROPHY 2; Cone dystrophy progressive. Identifiers: Orphanet 1872, MedGen C1866293, MONDO:0011143, OMIM 601777.
Leber congenital amaurosis 1 (LCA1). Also called: AMAUROSIS CONGENITA OF LEBER I; RETINAL BLINDNESS, CONGENITAL; Congenital absence of the rods and cones; Leber's congenital tapetoretinal degeneration; Leber's congenital tapetoretinal dysplasia. Identifiers: Orphanet 65, MedGen C2931258, MONDO:0008764, OMIM 204000.
Inborn genetic diseases. Identifiers: MedGen C0950123, MeSH D030342.

Allele frequency attached by ClinVar (database versions not stated): TOPMed below 0.00001.
gnomAD v4.1: 1 of 1,510,058 alleles (0.000066%); highest among the groups gnomAD compares: Non-Finnish European, 0.000088%; no homozygotes.

Submissions (3):

Ambry Genetics
Classification: Uncertain significance for Inborn genetic diseases. Last evaluated: 2026-07-20. Review status: criteria provided, single submitter. Criteria: Ambry Variant Classification Scheme 2023. Collection method: clinical testing. Allele origin: germline.

Blueprint Genetics
Classification: Uncertain significance. Last evaluated: 2024-10-09. Review status: criteria provided, single submitter. Criteria: ACMG Guidelines, 2015. Collection method: clinical testing. Allele origin: germline.

Labcorp Genetics (formerly Invitae), Labcorp
Classification: Uncertain significance for Leber congenital amaurosis 1; Cone-rod dystrophy 6. Last evaluated: 2024-02-22. Review status: criteria provided, single submitter. Criteria: Invitae Variant Classification Sherloc (09022015). Collection method: clinical testing. Allele origin: germline.
Comment: This sequence change replaces arginine, which is basic and polar, with glycine, which is neutral and non-polar, at codon 31 of the GUCY2D protein (p.Arg31Gly). This variant is not present in population databases (gnomAD no frequency). This variant has not been reported in the literature in individuals affected with GUCY2D-related conditions. ClinVar contains an entry for this variant (Variation ID: 2071823). Advanced modeling of protein sequence and biophysical properties (such as structural, functional, and spatial information, amino acid conservation, physicochemical variation, residue mobility, and thermodynamic stability) performed at Invitae indicates that this missense variant is not expected to disrupt GUCY2D protein function with a negative predictive value of 95%. In summary, the available evidence is currently insufficient to determine the role of this variant in disease. Therefore, it has been classified as a Variant of Uncertain Significance.

NM_000180.4(GUCY2D):c.91C>G (p.Arg31Gly)

Gene: GUCY2D (guanylate cyclase 2D, retinal; plus strand). Cytogenetic location: 17p13.1.
Variant type: single nucleotide variant.
Coding change: c.91C>G on transcript NM_000180.4 (MANE Select); coding-DNA position 91, C replaced by G.
Protein change: p.Arg31Gly; replaces arginine 31 with glycine.
Molecular consequence: missense variant.
Genome position (GRCh38, 1-based): chr17:8,003,138, C>G. VCF-style: chr17-8003138-C-G. GRCh37 (hg19) VCF-style: chr17-7906456-C-G.
Other names: c.91C>G (NM_000180.3); short protein forms R31G.
Identifiers: ClinVar variation 2071823 (VCV002071823.6), dbSNP rs1285350603, ClinGen allele CA397942688.